The following is an entry in ClinVar:

ClinVar aggregate classification (germline): Likely pathogenic (1 of 4 stars; one submission).

Conditions:
Congenital muscular dystrophy due to integrin alpha-7 deficiency. Also called: MYOPATHY, CONGENITAL, DUE TO INTEGRIN ALPHA-7 DEFICIENCY; Congenital muscular dystrophy with integrin alpha-7 deficiency; Muscular dystrophy, congenital, due to ITGA7 deficiency. Identifiers: Orphanet 34520, MedGen C2750786, MONDO:0013177, OMIM 613204.

Submission:

Labcorp Genetics (formerly Invitae), Labcorp
Classification: Likely pathogenic for Congenital muscular dystrophy due to integrin alpha-7 deficiency. Last evaluated: 2025-10-18. Review status: criteria provided, single submitter. Criteria: Invitae Variant Classification Sherloc (09022015). Collection method: clinical testing. Allele origin: germline.
Comment: This sequence change affects an acceptor splice site in intron 15 of the ITGA7 gene. It is expected to disrupt RNA splicing. Variants that disrupt the donor or acceptor splice site typically lead to a loss of protein function (PMID: 16199547), and loss-of-function variants in ITGA7 are known to be pathogenic (PMID: 9590299). This variant is not present in population databases (gnomAD no frequency). This variant has not been reported in the literature in individuals affected with ITGA7-related conditions. ClinVar contains an entry for this variant (Variation ID: 1965272). Algorithms developed to predict the effect of sequence changes on RNA splicing suggest that this variant may disrupt the consensus splice site. In summary, the currently available evidence indicates that the variant is pathogenic, but additional data are needed to prove that conclusively. Therefore, this variant has been classified as Likely Pathogenic.

Literature cited by the submitters: PubMed 16199547; PubMed 9590299.

NM_002206.3(ITGA7):c.2197-2A>G

Genes: ITGA7 (integrin subunit alpha 7; minus strand), LOC126861535 (CDK7 strongly-dependent group 2 enhancer GRCh37_chr12:56087579-56088778; plus strand). Cytogenetic location: 12q13.2.
Variant type: single nucleotide variant.
Coding change: c.2197-2A>G on transcript NM_002206.3 (MANE Select); the canonical splice acceptor site of the intron before coding-DNA position 2197, A replaced by G.
Molecular consequence: splice acceptor variant.
Genome position (GRCh38, 1-based): chr12:55,694,697, T>C on the plus strand (A>G on the coding strand, the complement: ITGA7 is on the minus strand). VCF-style: chr12-55694697-T-C. GRCh37 (hg19) VCF-style: chr12-56088481-T-C.
Other names: c.1918-2A>G (NM_001144997.2); c.1870-2A>G (NM_001367993.1); c.1858-2A>G (NM_001414035.1); c.2014-2A>G (NM_001414033.1); c.853-2A>G (NM_001367994.1); c.2077-2A>G (NM_001414032.1); c.2110-2A>G (NM_001414031.1); c.2179-2A>G (NM_001374465.1); and 5 more.
Identifiers: ClinVar variation 1965272 (VCV001965272.5), dbSNP rs1872244528, ClinGen allele CA385183598.